The following is an entry in ClinVar:

ClinVar aggregate classification (germline): Uncertain significance (1 of 4 stars; one submission).

Conditions:
Chédiak-Higashi syndrome (CHS). Also called: Chediak-Higashi Syndrome. Identifiers: Orphanet 167, MedGen C0007965, MONDO:0008963, OMIM 214500.

Allele frequency attached by ClinVar (database versions not stated): gnomAD 0.00001.

Submission:

Labcorp Genetics (formerly Invitae), Labcorp
Classification: Uncertain significance for Chédiak-Higashi syndrome. Last evaluated: 2021-11-05. Review status: criteria provided, single submitter. Criteria: Invitae Variant Classification Sherloc (09022015). Collection method: clinical testing. Allele origin: germline.
Comment: In summary, the available evidence is currently insufficient to determine the role of this variant in disease. Therefore, it has been classified as a Variant of Uncertain Significance. Variants that disrupt the consensus splice site are a relatively common cause of aberrant splicing (PMID: 17576681, 9536098). Algorithms developed to predict the effect of sequence changes on RNA splicing suggest that this variant is not likely to affect RNA splicing. This variant has not been reported in the literature in individuals affected with LYST-related conditions. This variant is not present in population databases (gnomAD no frequency). This sequence change falls in intron 36 of the LYST gene. It does not directly change the encoded amino acid sequence of the LYST protein. It affects a nucleotide within the consensus splice site.

Literature cited by the submitters: PubMed 17576681; PubMed 9536098.

NM_000081.4(LYST):c.9044+6T>C

Gene: LYST (lysosomal trafficking regulator; minus strand). Cytogenetic location: 1q42.3.
Variant type: single nucleotide variant.
Coding change: c.9044+6T>C on transcript NM_000081.4 (MANE Select); 6 bases into the intron after coding-DNA position 9044, T replaced by C.
Molecular consequence: intron variant.
Genome position (GRCh38, 1-based): chr1:235,730,841, A>G on the plus strand (T>C on the coding strand, the complement: LYST is on the minus strand). VCF-style: chr1-235730841-A-G. GRCh37 (hg19) VCF-style: chr1-235894141-A-G.
Other names: c.9044+6T>C (NM_001301365.1).
Identifiers: ClinVar variation 1378735 (VCV001378735.5), dbSNP rs1664318941, ClinGen allele CA1013593767.